The following is an entry in ClinVar:

NM_002334.4(LRP4):c.2080C>T (p.Arg694Cys)

Gene: LRP4 (LDL receptor related protein 4; minus strand). Cytogenetic location: 11p11.2.
Variant type: single nucleotide variant.
Coding change: c.2080C>T on transcript NM_002334.4 (MANE Select); coding-DNA position 2080, C replaced by T.
Protein change: p.Arg694Cys; replaces arginine 694 with cysteine.
Molecular consequence: missense variant.
Genome position (GRCh38, 1-based): chr11:46,889,956, G>A on the plus strand (C>T on the coding strand, the complement: LRP4 is on the minus strand). VCF-style: chr11-46889956-G-A. GRCh37 (hg19) VCF-style: chr11-46911507-G-A.
Other names: c.2080C>T (NM_002334.3); short protein forms R694C.
Identifiers: ClinVar variation 1025158 (VCV001025158.7), dbSNP rs1323412236, ClinGen allele CA380281624.

ClinVar aggregate classification (germline): Uncertain significance. Review status: criteria provided, multiple submitters, no conflicts (2 of 4 stars). 2 submissions from 2 submitters: Uncertain significance (2). Last evaluated 2022-02-10.

Conditions:
Congenital myasthenic syndrome 17. Identifiers: Orphanet 590, MedGen C4225377, MONDO:0014578, OMIM 616304.
Cenani-Lenz syndactyly syndrome. Also called: SYNDACTYLY, TYPE VII; CENANI SYNDACTYLISM. Identifiers: Orphanet 3258, MedGen C1859309, MONDO:0008931, OMIM 212780.
Sclerosteosis 2 (SOST2). Identifiers: Orphanet 3152, MedGen C3280402, MONDO:0013679, OMIM 614305.
Inborn genetic diseases. Identifiers: MedGen C0950123, MeSH D030342.

Allele frequency attached by ClinVar (database versions not stated): gnomAD exomes 0.00001; TOPMed 0.00002; gnomAD 0.00003 and 0.00004.
gnomAD v4.1: 37 of 1,614,070 alleles (0.0023%); highest among the groups gnomAD compares: Non-Finnish European, 0.003%; no homozygotes.

Submissions (2):

Labcorp Genetics (formerly Invitae), Labcorp
Classification: Uncertain significance for Cenani-Lenz syndactyly syndrome; Sclerosteosis 2; Congenital myasthenic syndrome 17. Last evaluated: 2022-02-10. Review status: criteria provided, single submitter. Criteria: Invitae Variant Classification Sherloc (09022015). Collection method: clinical testing. Allele origin: germline.
Comment: In summary, the available evidence is currently insufficient to determine the role of this variant in disease. Therefore, it has been classified as a Variant of Uncertain Significance. Algorithms developed to predict the effect of missense changes on protein structure and function (SIFT, PolyPhen-2, Align-GVGD) all suggest that this variant is likely to be disruptive. ClinVar contains an entry for this variant (Variation ID: 1025158). This variant has not been reported in the literature in individuals affected with LRP4-related conditions. This variant is present in population databases (no rsID available, gnomAD 0.004%). This sequence change replaces arginine, which is basic and polar, with cysteine, which is neutral and slightly polar, at codon 694 of the LRP4 protein (p.Arg694Cys).

Ambry Genetics
Classification: Uncertain significance for Inborn genetic diseases. Last evaluated: 2021-08-10. Review status: criteria provided, single submitter. Criteria: Ambry Variant Classification Scheme 2023. Collection method: clinical testing. Allele origin: germline.